The following is an entry in ClinVar:

NM_021098.3(CACNA1H):c.1597C>T (p.His533Tyr)

Gene: CACNA1H (calcium voltage-gated channel subunit alpha1 H; plus strand). Cytogenetic location: 16p13.3.
Variant type: single nucleotide variant.
Coding change: c.1597C>T on transcript NM_021098.3 (MANE Select); coding-DNA position 1597, C replaced by T.
Protein change: p.His533Tyr; replaces histidine 533 with tyrosine.
Molecular consequence: missense variant.
Genome position (GRCh38, 1-based): chr16:1,202,047, C>T. VCF-style: chr16-1202047-C-T. GRCh37 (hg19) VCF-style: chr16-1252047-C-T.
Other names: c.1597C>T, p.His533Tyr (NM_001005407.2); short protein forms H533Y.
Identifiers: ClinVar variation 3751449 (VCV003751449.2).

ClinVar aggregate classification (germline): Uncertain significance (1 of 4 stars; one submission).

Conditions:
Idiopathic generalized epilepsy. Also called: EIG; Generalised epilepsy. Identifiers: MedGen C0270850, MONDO:0005579, OMIM 600669.
Hyperaldosteronism, familial, type IV (HALD4). Also called: FH IV; ALDOSTERONISM, PRIMARY, AND HYPERTENSION. Identifiers: Orphanet 642671, MedGen C4310756, MONDO:0014875, OMIM 617027.

gnomAD v4.1: 1 of 1,538,082 alleles (0.000065%); highest among the groups gnomAD compares: Non-Finnish European, 0.000087%; no homozygotes.

Submission:

Labcorp Genetics (formerly Invitae), Labcorp
Classification: Uncertain significance for Idiopathic generalized epilepsy; Hyperaldosteronism, familial, type IV. Last evaluated: 2024-06-15. Review status: criteria provided, single submitter. Criteria: Invitae Variant Classification Sherloc (09022015). Collection method: clinical testing. Allele origin: germline.
Comment: This sequence change replaces histidine, which is basic and polar, with tyrosine, which is neutral and polar, at codon 533 of the CACNA1H protein (p.His533Tyr). This variant is not present in population databases (gnomAD no frequency). This variant has not been reported in the literature in individuals affected with CACNA1H-related conditions. Advanced modeling of protein sequence and biophysical properties (such as structural, functional, and spatial information, amino acid conservation, physicochemical variation, residue mobility, and thermodynamic stability) performed at Invitae indicates that this missense variant is not expected to disrupt CACNA1H protein function with a negative predictive value of 80%. In summary, the available evidence is currently insufficient to determine the role of this variant in disease. Therefore, it has been classified as a Variant of Uncertain Significance.